The following is an entry in ClinVar:

ClinVar aggregate classification (germline): Benign (1 of 4 stars; one submission).

Allele frequency attached by ClinVar (database versions not stated): gnomAD 0.06467 and 0.06773; TOPMed 0.06482; 1000 Genomes Project 30x 0.08901; 1000 Genomes Project 0.09006.

Submission:

GeneDx
Classification: Benign. Last evaluated: 2018-06-16. Review status: criteria provided, single submitter. Criteria: GeneDx Variant Classification (06012015). Collection method: clinical testing. Allele origin: germline. Affected: yes.
Comment: This variant is considered likely benign or benign based on one or more of the following criteria: it is a conservative change, it occurs at a poorly conserved position in the protein, it is predicted to be benign by multiple in silico algorithms, and/or has population frequency not consistent with disease.

NM_021100.5(NFS1):c.1220+292T>C

Gene: NFS1 (NFS1 cysteine desulfurase; minus strand). Cytogenetic location: 20q11.22.
Variant type: single nucleotide variant.
Coding change: c.1220+292T>C on transcript NM_021100.5 (MANE Select); 292 bases into the intron after coding-DNA position 1220, T replaced by C.
Molecular consequence: intron variant.
Genome position (GRCh38, 1-based): chr20:35,673,309, A>G on the plus strand (T>C on the coding strand, the complement: NFS1 is on the minus strand). VCF-style: chr20-35673309-A-G. GRCh37 (hg19) VCF-style: chr20-34261231-A-G.
Other names: c.1067+292T>C (NM_001198989.2).
Identifiers: ClinVar variation 671483 (VCV000671483.1), dbSNP rs59658878, ClinGen allele CA14828678.